The following is an entry in ClinVar:

NM_032043.3(BRIP1):c.2644G>A (p.Ala882Thr)

Gene: BRIP1 (BRCA1 interacting DNA helicase 1; minus strand). Cytogenetic location: 17q23.2.
Variant type: single nucleotide variant.
Coding change: c.2644G>A on transcript NM_032043.3 (MANE Select); coding-DNA position 2644, G replaced by A.
Protein change: p.Ala882Thr; replaces alanine 882 with threonine.
Molecular consequence: missense variant.
Genome position (GRCh38, 1-based): chr17:61,686,097, C>T on the plus strand (G>A on the coding strand, the complement: BRIP1 is on the minus strand). VCF-style: chr17-61686097-C-T. GRCh37 (hg19) VCF-style: chr17-59763458-C-T.
Other names: short protein forms A882T.
Identifiers: ClinVar variation 821624 (VCV000821624.4), dbSNP rs1603276913, ClinGen allele CA400481877.

ClinVar aggregate classification (germline): Uncertain significance (1 of 4 stars; one submission).

Conditions:
Hereditary cancer-predisposing syndrome. Also called: Tumor predisposition; Hereditary Cancer Syndrome; Neoplastic Syndromes, Hereditary; Hereditary neoplastic syndrome. Identifiers: Orphanet 140162, MedGen C0027672, MeSH D009386, MONDO:0015356.

Allele frequency attached by ClinVar (database versions not stated): gnomAD exomes below 0.00001.
gnomAD v4.1: 1 of 1,613,990 alleles (0.000062%); highest among the groups gnomAD compares: Non-Finnish European, 0.000085%; no homozygotes.

Submission:

Ambry Genetics
Classification: Uncertain significance for Hereditary cancer-predisposing syndrome. Last evaluated: 2018-08-28. Review status: criteria provided, single submitter. Criteria: Ambry Variant Classification Scheme 2023. Collection method: clinical testing. Allele origin: germline.
Comment: The p.A882T variant (also known as c.2644G>A), located in coding exon 18 of the BRIP1 gene, results from a G to A substitution at nucleotide position 2644. The alanine at codon 882 is replaced by threonine, an amino acid with similar properties. This amino acid position is not conserved and threonine is a reference amino acid in several species. In addition, this alteration is predicted to be tolerated by in silico analysis. Since supporting evidence is limited at this time, the clinical significance of this alteration remains unclear.